The following is an entry in ClinVar:

ClinVar aggregate classification (germline): Uncertain significance. Review status: criteria provided, multiple submitters, no conflicts (2 of 4 stars). 4 submissions from 4 submitters: Uncertain significance (4). Last evaluated 2025-05-14.

Conditions:
Primary ciliary dyskinesia 11. Also called: CILIARY DYSKINESIA, PRIMARY, 11, WITHOUT SITUS INVERSUS. Identifiers: Orphanet 244, MedGen C2675229, MONDO:0012978, OMIM 612649.
Primary ciliary dyskinesia. Also called: Ciliary dyskinesia. Identifiers: Orphanet 244, MedGen C0008780, MONDO:0016575, HP:0012265.

Allele frequency attached by ClinVar (database versions not stated): ExAC 0.00005; TOPMed 0.00008; gnomAD exomes 0.00009; ESP Exome Variant Server 0.00015.
gnomAD v4.1: 139 of 1,613,970 alleles (0.0086%); highest among the groups gnomAD compares: African/African-American, 0.024%; no homozygotes.

Submissions (4):

GeneDx
Classification: Uncertain significance. Last evaluated: 2025-05-14. Review status: criteria provided, single submitter. Criteria: GeneDx Variant Classification Process June 2021. Collection method: clinical testing. Allele origin: germline. Affected: yes.
Comment: In silico analysis supports that this missense variant has a deleterious effect on protein structure/function; Has not been previously published as pathogenic or benign to our knowledge

Ambry Genetics
Classification: Uncertain significance for Primary ciliary dyskinesia. Last evaluated: 2024-11-03. Review status: criteria provided, single submitter. Criteria: Ambry Variant Classification Scheme 2023. Collection method: clinical testing. Allele origin: germline.
Comment: The p.R354C variant (also known as c.1060C>T), located in coding exon 3 of the RSPH4A gene, results from a C to T substitution at nucleotide position 1060. The arginine at codon 354 is replaced by cysteine, an amino acid with highly dissimilar properties. This amino acid position is conserved. In addition, this alteration is predicted to be deleterious by in silico analysis. Based on the available evidence, the clinical significance of this variant remains unclear.

Fulgent Genetics
Classification: Uncertain significance for Primary ciliary dyskinesia 11. Last evaluated: 2024-01-19. Review status: criteria provided, single submitter. Criteria: ACMG Guidelines, 2015. Collection method: clinical testing. Allele origin: germline.

Blueprint Genetics
Classification: Uncertain significance. Last evaluated: 2021-07-12. Review status: criteria provided, single submitter. Criteria: ACMG Guidelines, 2015. Collection method: clinical testing. Allele origin: germline.

NM_001010892.3(RSPH4A):c.1060C>T (p.Arg354Cys)

Gene: RSPH4A (radial spoke head component 4A; plus strand). Cytogenetic location: 6q22.1.
Variant type: single nucleotide variant.
Coding change: c.1060C>T on transcript NM_001010892.3 (MANE Select); coding-DNA position 1060, C replaced by T.
Protein change: p.Arg354Cys; replaces arginine 354 with cysteine.
Molecular consequence: missense variant.
Genome position (GRCh38, 1-based): chr6:116,627,767, C>T. VCF-style: chr6-116627767-C-T. GRCh37 (hg19) VCF-style: chr6-116948930-C-T.
Other names: c.1060C>T, p.Arg354Cys (NM_001161664.2); short protein forms R354C.
Identifiers: ClinVar variation 2347750 (VCV002347750.6), dbSNP rs143931549, ClinGen allele CA3970887.